The following is an entry in ClinVar:

ClinVar aggregate classification (germline): Likely benign (1 of 4 stars; one submission).

Allele frequency attached by ClinVar (database versions not stated): 1000 Genomes Project 0.00180; 1000 Genomes Project 30x 0.00250; gnomAD 0.00460; TOPMed 0.00487.

Submission:

CeGaT Center for Human Genetics Tuebingen
Classification: Likely benign. Last evaluated: 2026-09-01. Review status: criteria provided, single submitter. Criteria: CeGaT Center For Human Genetics Tuebingen Variant Classification Criteria Version 2. Collection method: clinical testing. Allele origin: germline. Affected: yes. Observed: 15 variant alleles.
Comment: NDUFA10: BS2

NC_000002.12:g.240025394C>A

Gene: NDUFA10 (NADH:ubiquinone oxidoreductase subunit A10; minus strand). Cytogenetic location: 2q37.3.
Variant type: single nucleotide variant.
Genome position: GRCh38 VCF-style: chr2-240025394-C-A. GRCh37 (hg19) VCF-style: chr2-240964811-C-A.
Identifiers: ClinVar variation 335207 (VCV000335207.35), dbSNP rs577432343, ClinGen allele CA10614726.